The following is an entry in ClinVar:

ClinVar aggregate classification (germline): Uncertain significance (1 of 4 stars; one submission).

Submission:

Labcorp Genetics (formerly Invitae), Labcorp
Classification: Uncertain significance. Last evaluated: 2022-06-16. Review status: criteria provided, single submitter. Criteria: Invitae Variant Classification Sherloc (09022015). Collection method: clinical testing. Allele origin: germline.
Comment: In summary, the available evidence is currently insufficient to determine the role of this variant in disease. Therefore, it has been classified as a Variant of Uncertain Significance. Algorithms developed to predict the effect of missense changes on protein structure and function (SIFT, PolyPhen-2, Align-GVGD) all suggest that this variant is likely to be tolerated. This variant has not been reported in the literature in individuals affected with TNFRSF11A-related conditions. This variant is not present in population databases (gnomAD no frequency). This sequence change replaces serine, which is neutral and polar, with asparagine, which is neutral and polar, at codon 428 of the TNFRSF11A protein (p.Ser428Asn).

NM_003839.4(TNFRSF11A):c.1283G>A (p.Ser428Asn)

Gene: TNFRSF11A (TNF receptor superfamily member 11a; plus strand). Cytogenetic location: 18q21.33.
Variant type: single nucleotide variant.
Coding change: c.1283G>A on transcript NM_003839.4 (MANE Select); coding-DNA position 1283, G replaced by A.
Protein change: p.Ser428Asn; replaces serine 428 with asparagine.
Molecular consequence: missense variant. On other transcripts: intron variant (3).
Genome position (GRCh38, 1-based): chr18:62,369,200, G>A. VCF-style: chr18-62369200-G-A. GRCh37 (hg19) VCF-style: chr18-60036433-G-A.
Other names: c.1241G>A, p.Ser414Asn (NM_001278268.2); c.783+2440G>A (NM_001270949.2); c.730+7407G>A (NM_001270950.2); c.616+9151G>A (NM_001270951.2); short protein forms S414N, S428N.
Identifiers: ClinVar variation 2004380 (VCV002004380.4), dbSNP rs1910331022, ClinGen allele CA402617651.